The following is an entry in ClinVar:

NM_003640.5(ELP1):c.1307G>A (p.Ser436Asn)

Gene: ELP1 (elongator acetyltransferase complex subunit 1; minus strand). Cytogenetic location: 9q31.3.
Variant type: single nucleotide variant.
Coding change: c.1307G>A on transcript NM_003640.5 (MANE Select); coding-DNA position 1307, G replaced by A.
Protein change: p.Ser436Asn; replaces serine 436 with asparagine.
Molecular consequence: missense variant.
Genome position (GRCh38, 1-based): chr9:108,911,063, C>T on the plus strand (G>A on the coding strand, the complement: ELP1 is on the minus strand). VCF-style: chr9-108911063-C-T. GRCh37 (hg19) VCF-style: chr9-111673343-C-T.
Other names: c.965G>A, p.Ser322Asn (NM_001318360.2); c.260G>A, p.Ser87Asn (NM_001330749.2); short protein forms S322N, S436N, S87N.
Identifiers: ClinVar variation 3252237 (VCV003252237.4), dbSNP rs1243110226.

ClinVar aggregate classification (germline): Uncertain significance. Review status: criteria provided, multiple submitters, no conflicts (2 of 4 stars). 3 submissions from 3 submitters: Uncertain significance (3). Last evaluated 2025-11-04.

Conditions:
Medulloblastoma (MDB). Also called: Medulloblastoma, somatic; MEDULLOBLASTOMA PREDISPOSITION SYNDROME. Identifiers: Orphanet 616, MedGen C0025149, MeSH D008527, MONDO:0007959, OMIM 155255, HP:0002885.
Familial dysautonomia. Also called: FD; HSAN III. Identifiers: Orphanet 1764, MedGen C0013364, MONDO:0009131, OMIM 223900. Disease mechanism: loss of function.

Allele frequency attached by ClinVar (database versions not stated): gnomAD 0.00001; gnomAD exomes 0.00001; TOPMed 0.00003.
gnomAD v4.1: 19 of 1,613,986 alleles (0.0012%); highest among the groups gnomAD compares: African/African-American, 0.0027%; no homozygotes.

Submissions (3):

GeneDx
Classification: Uncertain significance. Last evaluated: 2025-11-04. Review status: criteria provided, single submitter. Criteria: GeneDx Variant Classification Process June 2021. Collection method: clinical testing. Allele origin: germline.
Comment: Not observed at significant frequency in large population cohorts (gnomAD); In silico analysis suggests that this missense variant does not alter protein structure/function; Has not been previously published as pathogenic or benign to our knowledge

Ambry Genetics
Classification: Uncertain significance. Last evaluated: 2024-12-07. Review status: criteria provided, single submitter. Criteria: Ambry Variant Classification Scheme 2023. Collection method: clinical testing. Allele origin: germline.

Fulgent Genetics
Classification: Uncertain significance for Medulloblastoma; Familial dysautonomia. Last evaluated: 2024-05-01. Review status: criteria provided, single submitter. Criteria: ACMG Guidelines, 2015. Collection method: clinical testing. Allele origin: germline.